The following is an entry in ClinVar:

NM_015102.5(NPHP4):c.1147C>G (p.Leu383Val)

Gene: NPHP4 (nephrocystin 4; minus strand). Cytogenetic location: 1p36.31.
Variant type: single nucleotide variant.
Coding change: c.1147C>G on transcript NM_015102.5 (MANE Select); coding-DNA position 1147, C replaced by G.
Protein change: p.Leu383Val; replaces leucine 383 with valine.
Molecular consequence: missense variant. On other transcripts: 5 prime UTR variant (2), non-coding transcript variant (1).
Genome position (GRCh38, 1-based): chr1:5,933,302, G>C on the plus strand (C>G on the coding strand, the complement: NPHP4 is on the minus strand). VCF-style: chr1-5933302-G-C. GRCh37 (hg19) VCF-style: chr1-5993362-G-C.
Other names: c.-220C>G (NM_001291593.2, NM_001291594.2); short protein forms L383V.
Identifiers: ClinVar variation 844894 (VCV000844894.9), dbSNP rs760606576, ClinGen allele CA554608.
Genomic context (GRCh38, chr1:5,933,302, plus strand): 5'-CAGAATCAGCTTCCAGCAAGGGGTTCCAAACAGCCCAGCGGACCATGTGCATGCATGCCA[G>C]GTTGGACAGAGAGGTGACCGAAGCTGCCTAGAATTAAAACAAAGCACATCGGTGTATGAG-3'
Protein context (NP_055917.1, residues 373-393): NAASVTSLSN[Leu383Val]ACMHMVRWAV

ClinVar aggregate classification (germline): Uncertain significance (1 of 4 stars; one submission).

Conditions:
Nephronophthisis. Also called: Juvenile Nephronophthisis. Identifiers: Orphanet 655, MedGen C0687120, MONDO:0019005, HP:0000090.

Allele frequency attached by ClinVar (database versions not stated): TOPMed below 0.00001; gnomAD 0.00001; ExAC 0.00003.
gnomAD v4.1: 19 of 1,613,226 alleles (0.0012%); highest among the groups gnomAD compares: Admixed American, 0.0067%; no homozygotes.

Submission:

Labcorp Genetics (formerly Invitae), Labcorp
Classification: Uncertain significance for Nephronophthisis. Last evaluated: 2023-05-15. Review status: criteria provided, single submitter. Criteria: Invitae Variant Classification Sherloc (09022015). Collection method: clinical testing. Allele origin: germline.
Comment: In summary, the available evidence is currently insufficient to determine the role of this variant in disease. Therefore, it has been classified as a Variant of Uncertain Significance. Advanced modeling of protein sequence and biophysical properties (such as structural, functional, and spatial information, amino acid conservation, physicochemical variation, residue mobility, and thermodynamic stability) performed at Invitae indicates that this missense variant is not expected to disrupt NPHP4 protein function. ClinVar contains an entry for this variant (Variation ID: 844894). This variant has not been reported in the literature in individuals affected with NPHP4-related conditions. This variant is present in population databases (rs760606576, gnomAD 0.005%). This sequence change replaces leucine, which is neutral and non-polar, with valine, which is neutral and non-polar, at codon 383 of the NPHP4 protein (p.Leu383Val).